The following is an entry in ClinVar:

ClinVar aggregate classification (germline): Pathogenic. Review status: criteria provided, single submitter (1 of 4 stars). 2 submissions from 2 submitters: Pathogenic (1). 1 of the submissions does not count toward it. Last evaluated 2025-01-19.

Conditions:
Charcot-Marie-Tooth disease, type I (CMT1). Also called: Charcot-Marie-Tooth disease type 1; Charcot-Marie-Tooth, Type 1. Identifiers: Orphanet 65753, MedGen C0751036, MONDO:0019011.
Charcot-Marie-Tooth disease. Also called: Charcot-Marie-Tooth Hereditary Neuropathy; Charcot-Marie-Tooth Neuropathy. Identifiers: Orphanet 166, MedGen C0007959, MONDO:0015626.

Submissions (2):

Labcorp Genetics (formerly Invitae), Labcorp
Classification: Pathogenic for Charcot-Marie-Tooth disease, type I. Last evaluated: 2025-01-19. Review status: criteria provided, single submitter. Criteria: Invitae Variant Classification Sherloc (09022015). Collection method: clinical testing. Allele origin: germline.
Comment: This sequence change creates a premature translational stop signal (p.Gly107Valfs*4) in the PMP22 gene. While this is not anticipated to result in nonsense mediated decay, it is expected to disrupt the last 54 amino acid(s) of the PMP22 protein. This variant is not present in population databases (gnomAD no frequency). This premature translational stop signal has been observed in individual(s) with clinical features of Charcot-Marie-Tooth disease (PMID: 15241803, 29896895; internal data). In at least one individual the variant was observed to be de novo. ClinVar contains an entry for this variant (Variation ID: 637826). For these reasons, this variant has been classified as Pathogenic.

Inherited Neuropathy Consortium
Classification: Uncertain significance for Charcot-Marie-Tooth disease. Review status: no assertion criteria provided. Collection method: literature only. Allele origin: germline. Affected: yes. Not counted in ClinVar's aggregate classification.

Literature cited by the submitters: PubMed 15241803 (cited by Labcorp Genetics (formerly Invitae), Labcorp and Inherited Neuropathy Consortium); PubMed 29896895 (cited by Labcorp Genetics (formerly Invitae), Labcorp).

NM_000304.4(PMP22):c.318del (p.Gly107fs)

Gene: PMP22 (peripheral myelin protein 22; minus strand). Cytogenetic location: 17p12.
Variant type: Deletion.
Coding change: c.318del on transcript NM_000304.4 (MANE Select); coding-DNA position 318, one base deleted (T; older notation c.318delT).
Protein change: p.Gly107fs; shifts the reading frame from glycine 107.
Molecular consequence: frameshift variant. On other transcripts: non-coding transcript variant (2).
Genome position (GRCh38, 1-based): chr17:15,239,472, A deleted on the plus strand (T on the coding strand, the reverse complement: PMP22 is on the minus strand). VCF-style (leftmost placement, unchanged base first): chr17-15239471-CA-C. GRCh37 (hg19) VCF-style: chr17-15142788-CA-C.
Other names: c.318del, p.Gly107fs (NM_001281455.2, NM_001281456.2, NM_153321.3 and 1 more transcripts); c.318del, p.Glu107fs (NM_001330143.2); short protein forms E107fs, G107fs.
Identifiers: ClinVar variation 637826 (VCV000637826.6), dbSNP rs1597607532, ClinGen allele CA915949578.